The following is an entry in ClinVar:

ClinVar aggregate classification (germline): Likely benign. Review status: criteria provided, single submitter (1 of 4 stars). 2 submissions from 2 submitters: Likely benign (1). 1 of the submissions does not count toward it. Last evaluated 2022-02-26.

Conditions:
ALPK2-related disorder. Also called: ALPK2-related condition.

Allele frequency attached by ClinVar (database versions not stated): gnomAD 0.00003; TOPMed 0.00005; ESP Exome Variant Server 0.00008.
gnomAD v4.1: 109 of 1,614,040 alleles (0.0068%); highest among the groups gnomAD compares: Non-Finnish European, 0.0092%; no homozygotes.

Submissions (2):

Ambry Genetics
Classification: Likely benign. Last evaluated: 2022-02-26. Review status: criteria provided, single submitter. Criteria: Ambry Variant Classification Scheme 2023. Collection method: clinical testing. Allele origin: germline.

PreventionGenetics, part of Exact Sciences
Classification: Likely benign for ALPK2-related condition. Last evaluated: 2019-02-26. Review status: no assertion criteria provided. Collection method: clinical testing. Allele origin: germline. Not counted in ClinVar's aggregate classification.
Comment: This variant is classified as likely benign based on ACMG/AMP sequence variant interpretation guidelines (Richards et al. 2015 PMID: 25741868, with internal and published modifications).

NM_052947.4(ALPK2):c.6486T>C (p.Pro2162=)

Gene: ALPK2 (alpha kinase 2; minus strand). Cytogenetic location: 18q21.31.
Variant type: single nucleotide variant.
Coding change: c.6486T>C on transcript NM_052947.4 (MANE Select); coding-DNA position 6486, T replaced by C.
Protein change: p.Pro2162=; no amino-acid change (proline 2162 retained).
Molecular consequence: synonymous variant.
Genome position (GRCh38, 1-based): chr18:58,481,850, A>G on the plus strand (T>C on the coding strand, the complement: ALPK2 is on the minus strand). VCF-style: chr18-58481850-A-G. GRCh37 (hg19) VCF-style: chr18-56149082-A-G.
Identifiers: ClinVar variation 1753788 (VCV001753788.4), dbSNP rs371027763, ClinGen allele CA8976138.